The following is an entry in ClinVar:

ClinVar aggregate classification (germline): Likely benign (1 of 4 stars; one submission).

Allele frequency attached by ClinVar (database versions not stated): ExAC 0.00003; gnomAD exomes 0.00003; ESP Exome Variant Server 0.00016.
gnomAD v4.1: 34 of 1,548,550 alleles (0.0022%); highest among the groups gnomAD compares: Non-Finnish European, 0.003%; no homozygotes.

Submission:

CeGaT Center for Human Genetics Tuebingen
Classification: Likely benign. Last evaluated: 2022-07-01. Review status: criteria provided, single submitter. Criteria: CeGaT Center For Human Genetics Tuebingen Variant Classification Criteria Version 2. Collection method: clinical testing. Allele origin: germline. Affected: yes. Observed: 1 variant allele.
Comment: KRT6C: BP4, BP7

NM_173086.5(KRT6C):c.477G>A (p.Val159=)

Gene: KRT6C (keratin 6C; minus strand). Cytogenetic location: 12q13.13.
Variant type: single nucleotide variant.
Coding change: c.477G>A on transcript NM_173086.5 (MANE Select); coding-DNA position 477, G replaced by A.
Protein change: p.Val159=; no amino-acid change (valine 159 retained).
Molecular consequence: synonymous variant.
Genome position (GRCh38, 1-based): chr12:52,473,261, C>T on the plus strand (G>A on the coding strand, the complement: KRT6C is on the minus strand). VCF-style: chr12-52473261-C-T. GRCh37 (hg19) VCF-style: chr12-52867045-C-T.
Identifiers: ClinVar variation 2643022 (VCV002643022.24), dbSNP rs372187804, ClinGen allele CA6581567.
Genomic context (GRCh38, chr12:52,473,261, plus strand): 5'-GTCGATGAAGGAGGCAAACTTGTTGTTGAGGGTCTTGATCTGCTCACGCTCCTCGGCCCG[C>T]ACCCGCTGGATGGCGGGGTCAATTTGCAGGTTGAGGGGAGTCAGGAGACTCTGGTTGACG-3'
Protein context (NP_775109.2, residues 149-169): NLQIDPAIQR[Val159=]RAEEREQIKT